The following is an entry in ClinVar:

NM_003738.5(PTCH2):c.1240C>G (p.Leu414Val)

Gene: PTCH2 (patched 2; minus strand). Cytogenetic location: 1p34.1.
Variant type: single nucleotide variant.
Coding change: c.1240C>G on transcript NM_003738.5 (MANE Select); coding-DNA position 1240, C replaced by G.
Protein change: p.Leu414Val; replaces leucine 414 with valine.
Molecular consequence: missense variant.
Genome position (GRCh38, 1-based): chr1:44,829,288, G>C on the plus strand (C>G on the coding strand, the complement: PTCH2 is on the minus strand). VCF-style: chr1-44829288-G-C. GRCh37 (hg19) VCF-style: chr1-45294960-G-C.
Other names: c.1240C>G, p.Leu414Val (NM_001166292.2); short protein forms L414V.
Identifiers: ClinVar variation 524539 (VCV000524539.9), dbSNP rs936828240, ClinGen allele CA21746891.

ClinVar aggregate classification (germline): Uncertain significance (1 of 4 stars; one submission).

Conditions:
Gorlin syndrome. Also called: Nevoid Basal Cell Carcinoma Syndrome; Basal cell nevus syndrome. Identifiers: Orphanet 377, MedGen C0004779, MONDO:0007187.

Allele frequency attached by ClinVar (database versions not stated): gnomAD 0.00001; gnomAD exomes 0.00001 and 0.00002; TOPMed 0.00002.

Submission:

Labcorp Genetics (formerly Invitae), Labcorp
Classification: Uncertain significance for Gorlin syndrome. Last evaluated: 2021-08-31. Review status: criteria provided, single submitter. Criteria: Invitae Variant Classification Sherloc (09022015). Collection method: clinical testing. Allele origin: germline.
Comment: This sequence change replaces leucine with valine at codon 414 of the PTCH2 protein (p.Leu414Val). The leucine residue is highly conserved and there is a small physicochemical difference between leucine and valine. This variant is not present in population databases (ExAC no frequency). This variant has not been reported in the literature in individuals affected with PTCH2-related conditions. Algorithms developed to predict the effect of missense changes on protein structure and function (SIFT, PolyPhen-2, Align-GVGD) all suggest that this variant is likely to be tolerated. Algorithms developed to predict the effect of sequence changes on RNA splicing suggest that this variant may create or strengthen a splice site. In summary, the available evidence is currently insufficient to determine the role of this variant in disease. Therefore, it has been classified as a Variant of Uncertain Significance.